The following is an entry in ClinVar:

ClinVar aggregate classification (germline): Pathogenic (1 of 4 stars; one submission).

Conditions:
Fanconi anemia complementation group O. Also called: RAD51C-Related Fanconi Anemia. Identifiers: Orphanet 84, MedGen C3150653, MONDO:0013248, OMIM 613390.

Submission:

Labcorp Genetics (formerly Invitae), Labcorp
Classification: Pathogenic for Fanconi anemia complementation group O. Last evaluated: 2023-03-26. Review status: criteria provided, single submitter. Criteria: Invitae Variant Classification Sherloc (09022015). Collection method: clinical testing. Allele origin: unknown.
Comment: This variant is a gross deletion of the genomic region encompassing exon(s) 1-2 of the RAD51C gene, which includes the initiator codon. This deletion extends beyond the assayed region for this gene and therefore may encompass additional genes. It is expected to result in an absent or disrupted protein product. Loss-of-function variants in RAD51C are known to be pathogenic (PMID: 20400964, 21990120, 24800917). For these reasons, this variant has been classified as Pathogenic. This variant has not been reported in the literature in individuals affected with RAD51C-related conditions.

Literature cited by the submitters: PubMed 20400964; PubMed 21990120; PubMed 24800917.

NC_000017.10:g.(?_56769986)_(56772560_?)del

Gene: RAD51C (RAD51 paralog C; plus strand). Cytogenetic location: 17q22.
Variant type: Deletion.
Identifiers: ClinVar variation 3243081 (VCV003243081.1).